The following is an entry in ClinVar:

NM_001110556.2(FLNA):c.4452G>C (p.Gln1484His)

Gene: FLNA (filamin A; minus strand). Cytogenetic location: Xq28.
Variant type: single nucleotide variant.
Coding change: c.4452G>C on transcript NM_001110556.2 (MANE Select); coding-DNA position 4452, G replaced by C.
Protein change: p.Gln1484His; replaces glutamine 1484 with histidine.
Molecular consequence: missense variant.
Genome position (GRCh38, 1-based): chrX:154,359,006, C>G on the plus strand (G>C on the coding strand, the complement: FLNA is on the minus strand). VCF-style: chrX-154359006-C-G. GRCh37 (hg19) VCF-style: chrX-153587374-C-G.
Other names: c.4452G>C, p.Gln1484His (NM_001456.4); short protein forms Q1484H.
Identifiers: ClinVar variation 582608 (VCV000582608.10), dbSNP rs1569551606, ClinGen allele CA415216244.

ClinVar aggregate classification (germline): Uncertain significance (1 of 4 stars; one submission).

Conditions:
Heterotopia, periventricular, X-linked dominant (PVNH1). Also called: PERIVENTRICULAR NODULAR HETEROTOPIA 4; HETEROTOPIA, PERIVENTRICULAR, 1; PERIVENTRICULAR NODULAR HETEROTOPIA 1; X-linked periventricular heterotopia. Identifiers: Orphanet 2149, Orphanet 82004, MedGen C1848213, MONDO:0010233, OMIM 300049.
Melnick-Needles syndrome (MNS). Also called: Melnick-Needles Syndrome (FLNA-MNS); MELNICK-NEEDLES OSTEODYSPLASTY; OSTEODYSPLASTY OF MELNICK AND NEEDLES. Identifiers: Orphanet 2484, MedGen C0025237, MONDO:0010650, OMIM 309350.
Frontometaphyseal dysplasia (FMD1). Identifiers: Orphanet 1826, MedGen C0265293, MONDO:0015942.
Oto-palato-digital syndrome, type II (OPD2). Also called: Otopalatodigital Syndrome Type 2 (FLNA-OPD2); Otopalatodigital Syndrome, Type II; FACIOPALATOOSSEOUS SYNDROME; OPD II SYNDROME. Identifiers: Orphanet 669, Orphanet 90652, MedGen C1844696, MONDO:0010571, OMIM 304120.

Allele frequency attached by ClinVar (database versions not stated): gnomAD exomes below 0.00001.
gnomAD v4.1: 1 of 1,211,480 alleles (0.000083%); highest among the groups gnomAD compares: Non-Finnish European, 0.00011%; no homozygotes.

Submission:

Labcorp Genetics (formerly Invitae), Labcorp
Classification: Uncertain significance for Oto-palato-digital syndrome, type II; Heterotopia, periventricular, X-linked dominant; Frontometaphyseal dysplasia; Melnick-Needles syndrome. Last evaluated: 2018-06-12. Review status: criteria provided, single submitter. Criteria: Invitae Variant Classification Sherloc (09022015). Collection method: clinical testing. Allele origin: germline.
Comment: In summary, the available evidence is currently insufficient to determine the role of this variant in disease. Therefore, it has been classified as a Variant of Uncertain Significance. Algorithms developed to predict the effect of missense changes on protein structure and function output the following: SIFT: "Deleterious"; PolyPhen-2: "Benign"; Align-GVGD: "Class C15". The histidine amino acid residue is found in multiple mammalian species, suggesting that this missense change does not adversely affect protein function. These predictions have not been confirmed by published functional studies and their clinical significance is uncertain. This variant has not been reported in the literature in individuals with FLNA-related disease. This variant is not present in population databases (ExAC no frequency). This sequence change replaces glutamine with histidine at codon 1484 of the FLNA protein (p.Gln1484His). The glutamine residue is highly conserved and there is a small physicochemical difference between glutamine and histidine.